The following is an entry in ClinVar:

NM_000051.4(ATM):c.6013delinsAA (p.Leu2005fs)

Genes: ATM (ATM serine/threonine kinase; plus strand), C11orf65 (chromosome 11 open reading frame 65; minus strand). Cytogenetic location: 11q22.3.
Variant type: Indel.
Coding change: c.6013delinsAA on transcript NM_000051.4 (MANE Select); coding-DNA position 6013, C replaced by AA.
Protein change: p.Leu2005fs; shifts the reading frame from leucine 2005.
Molecular consequence: frameshift variant. On other transcripts: intron variant (2).
Genome position (GRCh38, 1-based): chr11:108,315,829, C replaced by AA. VCF-style: chr11-108315829-C-AA. GRCh37 (hg19) VCF-style: chr11-108186556-C-AA.
Other names: c.6013delCinsAA, p.Leu2005Asnfs (NM_000051.3); c.6013delinsAA, p.Leu2005fs (NM_001351834.2); c.641-6758delinsTT (NM_001330368.2); c.*39-6758delinsTT (NM_001351110.2); short protein forms L2005fs.
Identifiers: ClinVar variation 449232 (VCV000449232.12), dbSNP rs1555113523, ClinGen allele CA658656175.

ClinVar aggregate classification (germline): Pathogenic/Likely pathogenic. Review status: criteria provided, multiple submitters, no conflicts (2 of 4 stars). 4 submissions from 4 submitters: Pathogenic (3); Likely pathogenic (1). Last evaluated 2026-07-17.

Conditions:
Hereditary cancer-predisposing syndrome. Also called: Neoplastic Syndromes, Hereditary; Hereditary Cancer Syndrome; Tumor predisposition; Hereditary neoplastic syndrome. Identifiers: Orphanet 140162, MedGen C0027672, MeSH D009386, MONDO:0015356.
Familial cancer of breast. Also called: Hereditary breast cancer; BREAST CANCER, FAMILIAL; hereditary breast carcinoma. Identifiers: Orphanet 227535, MedGen C0346153, MONDO:0016419, OMIM 114480. Disease mechanism: loss of function.
Ataxia-telangiectasia syndrome (AT). Also called: LOUIS-BAR SYNDROME; Cerebello-oculocutaneous telangiectasia; Immunodeficiency with ataxia telangiectasia; Ataxia-telangiectasia, complementation group D; AT, COMPLEMENTATION GROUP C; Ataxia-telangiectasia, complementation group E. Identifiers: Orphanet 100, MedGen C0004135, MONDO:0008840, OMIM 208900.

Submissions (4):

Ambry Genetics
Classification: Pathogenic for Hereditary cancer-predisposing syndrome. Last evaluated: 2026-07-17. Review status: criteria provided, single submitter. Criteria: Ambry Variant Classification Scheme 2023. Collection method: clinical testing. Allele origin: germline.
Comment: The c.6013delCinsAA pathogenic mutation, located in coding exon 40 of the ATM gene, results from the deletion of one nucleotide and insertion of two nucleotides causing a translational frameshift with a predicted alternate stop codon (p.L2005Nfs*13). This variant is considered to be rare based on population cohorts in the Genome Aggregation Database (gnomAD). This alteration is expected to result in loss of function by premature protein truncation or nonsense-mediated mRNA decay. As such, this alteration is interpreted as a disease-causing mutation.

Myriad Genetics, Inc.
Classification: Pathogenic for Familial cancer of breast. Last evaluated: 2024-01-26. Review status: criteria provided, single submitter. Criteria: Myriad Autosomal Dominant, Autosomal Recessive and X-Linked Classification Criteria (2023). Collection method: clinical testing. Allele origin: unknown.
Comment: This variant is considered pathogenic. This variant creates a frameshift predicted to result in premature protein truncation.

Labcorp Genetics (formerly Invitae), Labcorp
Classification: Pathogenic for Ataxia-telangiectasia syndrome. Last evaluated: 2022-08-10. Review status: criteria provided, single submitter. Criteria: Invitae Variant Classification Sherloc (09022015). Collection method: clinical testing. Allele origin: germline.
Comment: This premature translational stop signal has been observed in individual(s) with endometrial cancer (PMID: 30612635). This variant is not present in population databases (gnomAD no frequency). This sequence change creates a premature translational stop signal (p.Leu2005Asnfs*13) in the ATM gene. It is expected to result in an absent or disrupted protein product. Loss-of-function variants in ATM are known to be pathogenic (PMID: 23807571, 25614872). For these reasons, this variant has been classified as Pathogenic.

GeneDx
Classification: Likely pathogenic. Last evaluated: 2017-03-08. Review status: criteria provided, single submitter. Criteria: GeneDx Variant Classification (06012015). Collection method: clinical testing. Allele origin: germline. Affected: yes.
Comment: This combined deletion and insertion is denoted ATM c.6013delCinsAA at the cDNA level and p.Leu2005AsnfsX13 (L2005NfsX13) at the protein level. The surrounding sequence, with the bases that are deleted and inserted in brackets, is TCTT[delC][insAA]TCTT. The variant causes a frameshift, which changes a Leucine to an Asparagine at codon 2005, and creates a premature stop codon at position 13 of the new reading frame. Although this variant has not, to our knowledge, been reported in the literature, it is predicted to cause loss of normal protein function through either protein truncation or nonsense-mediated mRNA decay. Based on currently available information, we consider this to be a likely pathogenic variant.

Literature cited by the submitters: PubMed 30612635 (cited by Labcorp Genetics (formerly Invitae), Labcorp); PubMed 23807571 (cited by Labcorp Genetics (formerly Invitae), Labcorp); PubMed 25614872 (cited by Labcorp Genetics (formerly Invitae), Labcorp).